The following is an entry in ClinVar:

ClinVar aggregate classification (germline): Likely benign. Review status: criteria provided, multiple submitters, no conflicts (2 of 4 stars). 3 submissions from 3 submitters: Likely benign (2). 1 of the submissions does not count toward it. Last evaluated 2025-06-27.

Conditions:
CREBBP-related disorder. Also called: CREBBP-related condition; CREBBP-related disorders.
Rubinstein-Taybi syndrome (RSTS). Identifiers: Orphanet 783, MedGen C0035934, MONDO:0019188.

Allele frequency attached by ClinVar (database versions not stated): ExAC 0.00001; gnomAD 0.00001; TOPMed 0.00001; gnomAD exomes 0.00003.
gnomAD v4.1: 40 of 1,543,202 alleles (0.0026%); highest among the groups gnomAD compares: Admixed American, 0.005%; no homozygotes.

Submissions (3):

Labcorp Genetics (formerly Invitae), Labcorp
Classification: Likely benign for Rubinstein-Taybi syndrome. Last evaluated: 2025-06-27. Review status: criteria provided, single submitter. Criteria: Invitae Variant Classification Sherloc (09022015). Collection method: clinical testing. Allele origin: germline.

Blueprint Genetics
Classification: Likely benign. Last evaluated: 2021-10-11. Review status: criteria provided, single submitter. Criteria: ACMG Guidelines, 2015. Collection method: clinical testing. Allele origin: germline.

PreventionGenetics, part of Exact Sciences
Classification: Likely benign for CREBBP-related condition. Last evaluated: 2022-06-14. Review status: no assertion criteria provided. Collection method: clinical testing. Allele origin: germline. Not counted in ClinVar's aggregate classification.
Comment: This variant is classified as likely benign based on ACMG/AMP sequence variant interpretation guidelines (Richards et al. 2015 PMID: 25741868, with internal and published modifications).

NM_004380.3(CREBBP):c.4394+9G>C

Gene: CREBBP (CREB binding lysine acetyltransferase; minus strand). Cytogenetic location: 16p13.3.
Variant type: single nucleotide variant.
Coding change: c.4394+9G>C on transcript NM_004380.3 (MANE Select); 9 bases into the intron after coding-DNA position 4394, G replaced by C.
Molecular consequence: intron variant.
Genome position (GRCh38, 1-based): chr16:3,738,550, C>G on the plus strand (G>C on the coding strand, the complement: CREBBP is on the minus strand). VCF-style: chr16-3738550-C-G. GRCh37 (hg19) VCF-style: chr16-3788551-C-G.
Other names: c.4280+9G>C (NM_001079846.1); c.4394+9G>C (NM_004380.2).
Identifiers: ClinVar variation 2108750 (VCV002108750.7), dbSNP rs765416605, ClinGen allele CA7869545.